The following is an entry in ClinVar:

NM_002972.4(SBF1):c.1333-6C>G

Gene: SBF1 (SET binding factor 1; minus strand). Cytogenetic location: 22q13.33.
Variant type: single nucleotide variant.
Coding change: c.1333-6C>G on transcript NM_002972.4 (MANE Select); 6 bases into the intron before coding-DNA position 1333, C replaced by G.
Molecular consequence: intron variant.
Genome position (GRCh38, 1-based): chr22:50,464,923, G>C on the plus strand (C>G on the coding strand, the complement: SBF1 is on the minus strand). VCF-style: chr22-50464923-G-C. GRCh37 (hg19) VCF-style: chr22-50903352-G-C.
Other names: c.1336-6C>G (NM_001365819.1).
Identifiers: ClinVar variation 1186945 (VCV001186945.7), dbSNP rs781476014, ClinGen allele CA10317713.

ClinVar aggregate classification (germline): Conflicting classifications of pathogenicity. Review status: criteria provided, conflicting classifications (1 of 4 stars). 2 submissions from 2 submitters: Uncertain significance (1); Likely benign (1). Last evaluated 2025-11-17.

gnomAD v4.1: 93 of 1,613,612 alleles (0.0058%); highest among the groups gnomAD compares: Non-Finnish European, 0.0075%; no homozygotes.

Submissions (2):

Labcorp Genetics (formerly Invitae), Labcorp
Classification: Likely benign. Last evaluated: 2025-11-17. Review status: criteria provided, single submitter. Criteria: Invitae Variant Classification Sherloc (09022015). Collection method: clinical testing. Allele origin: germline.

GeneDx
Classification: Uncertain significance. Last evaluated: 2020-03-13. Review status: criteria provided, single submitter. Criteria: GeneDx Variant Classification Process June 2021. Collection method: clinical testing. Allele origin: germline. Affected: yes.
Comment: Not observed at a significant frequency in large population cohorts (Lek et al., 2016); In silico analysis supports a deleterious effect on splicing; Has not been previously published as pathogenic or benign to our knowledge